The following is an entry in ClinVar:

ClinVar aggregate classification (germline): Uncertain significance. Review status: criteria provided, multiple submitters, no conflicts (2 of 4 stars). 2 submissions from 2 submitters: Uncertain significance (2). Last evaluated 2024-11-27.

Allele frequency attached by ClinVar (database versions not stated): TOPMed below 0.00001; gnomAD exomes 0.00003.
gnomAD v4.1: 32 of 1,292,182 alleles (0.0025%); highest among the groups gnomAD compares: Non-Finnish European, 0.0028%; no homozygotes.

Submissions (2):

Blueprint Genetics
Classification: Uncertain significance. Last evaluated: 2024-11-27. Review status: criteria provided, single submitter. Criteria: ACMG Guidelines, 2015. Collection method: clinical testing. Allele origin: germline.

Labcorp Genetics (formerly Invitae), Labcorp
Classification: Uncertain significance. Last evaluated: 2022-12-31. Review status: criteria provided, single submitter. Criteria: Invitae Variant Classification Sherloc (09022015). Collection method: clinical testing. Allele origin: germline.
Comment: This sequence change replaces leucine, which is neutral and non-polar, with proline, which is neutral and non-polar, at codon 1202 of the GRIN2D protein (p.Leu1202Pro). The frequency data for this variant in the population databases is considered unreliable, as metrics indicate insufficient coverage at this position in the gnomAD database. This variant has not been reported in the literature in individuals affected with GRIN2D-related conditions. ClinVar contains an entry for this variant (Variation ID: 1485239). Advanced modeling of protein sequence and biophysical properties (such as structural, functional, and spatial information, amino acid conservation, physicochemical variation, residue mobility, and thermodynamic stability) performed at Invitae indicates that this missense variant is not expected to disrupt GRIN2D protein function. In summary, the available evidence is currently insufficient to determine the role of this variant in disease. Therefore, it has been classified as a Variant of Uncertain Significance.

NM_000836.4(GRIN2D):c.3605T>C (p.Leu1202Pro)

Gene: GRIN2D (glutamate ionotropic receptor NMDA type subunit 2D; plus strand). Cytogenetic location: 19q13.33.
Variant type: single nucleotide variant.
Coding change: c.3605T>C on transcript NM_000836.4 (MANE Select); coding-DNA position 3605, T replaced by C.
Protein change: p.Leu1202Pro; replaces leucine 1202 with proline.
Molecular consequence: missense variant.
Genome position (GRCh38, 1-based): chr19:48,443,531, T>C. VCF-style: chr19-48443531-T-C. GRCh37 (hg19) VCF-style: chr19-48946788-T-C.
Other names: short protein forms L1202P.
Identifiers: ClinVar variation 1485239 (VCV001485239.9), dbSNP rs1971335593, ClinGen allele CA406677080.